The following is an entry in ClinVar:

ClinVar aggregate classification (germline): Likely pathogenic (0 of 4 stars; one submission).

Conditions:
CFAP300-related disorder. Also called: CFAP300-related condition.

Submission:

PreventionGenetics, part of Exact Sciences
Classification: Likely pathogenic for CFAP300-related condition. Last evaluated: 2024-06-19. Review status: no assertion criteria provided. Collection method: clinical testing. Allele origin: germline.
Comment: The CFAP300 c.786_787insATAACACTGTTATGGT variant is predicted to result in a frameshift and premature protein termination (p.Val263Ilefs*30). This variant is located in the last exon of CFAP300, and no premature protein termination variants have been reported 3’ to this location. This variant is reported in 0.0004% of alleles in individuals in gnomAD, indicating it is rare. This variant is interpreted as likely pathogenic.

NM_032930.3(CFAP300):c.786_787insATAACACTGTTATGGT (p.Val263fs)

Gene: CFAP300 (cilia and flagella associated protein 300; plus strand). Cytogenetic location: 11q22.1.
Variant type: Insertion.
Coding change: c.786_787insATAACACTGTTATGGT on transcript NM_032930.3 (MANE Select); coding-DNA positions 786 to 787, ATAACACTGTTATGGT inserted.
Protein change: p.Val263fs; shifts the reading frame from valine 263.
Molecular consequence: frameshift variant.
Genome position: GRCh38 VCF-style: chr11-102083169-C-CCACTGTTATGGTATAA. GRCh37 (hg19) VCF-style: chr11-101953900-C-CCACTGTTATGGTATAA.
Other names: c.714_715insATAACACTGTTATGGT, p.Val239fs (NM_001363505.2); short protein forms V239fs, V263fs.
Identifiers: ClinVar variation 3354718 (VCV003354718.1).